The following is an entry in ClinVar:

ClinVar aggregate classification (germline): Conflicting classifications of pathogenicity. Review status: criteria provided, conflicting classifications (1 of 4 stars). 3 submissions from 3 submitters: Uncertain significance (1); Likely benign (1). 1 of the submissions does not count toward it. Last evaluated 2025-12-16.

Conditions:
MMAB-related disorder. Also called: MMAB-related condition.
Methylmalonic aciduria, cblB type (MACB). Also called: Methylmalonic acidemia cblB type; Vitamin B12-responsive methylmalonic acidemia type cblB; METHYLMALONIC ACIDURIA, VITAMIN B12-RESPONSIVE, DUE TO DEFECT IN SYNTHESIS OF ADENOSYLCOBALAMIN, cblB TYPE. Identifiers: Orphanet 28, Orphanet 79311, MedGen C1855102, MONDO:0009614, OMIM 251110.

Allele frequency attached by ClinVar (database versions not stated): gnomAD exomes 0.00005 and 0.00008; ExAC 0.00007; TOPMed 0.00009; gnomAD 0.00013 and 0.00014; ESP Exome Variant Server 0.00015.
gnomAD v4.1: 150 of 1,613,636 alleles (0.0093%); highest among the groups gnomAD compares: African/African-American, 0.016%; no homozygotes.

Submissions (3):

Labcorp Genetics (formerly Invitae), Labcorp
Classification: Likely benign for Methylmalonic aciduria, cblB type. Last evaluated: 2025-12-16. Review status: criteria provided, single submitter. Criteria: Invitae Variant Classification Sherloc (09022015). Collection method: clinical testing. Allele origin: germline.

Illumina Laboratory Services, Illumina
Classification: Uncertain significance for Methylmalonic aciduria, cblB type. Last evaluated: 2018-01-13. Review status: criteria provided, single submitter. Criteria: ICSL Variant Classification Criteria 13 December 2019. Collection method: clinical testing. Allele origin: germline.

PreventionGenetics, part of Exact Sciences
Classification: Likely benign for MMAB-related condition. Last evaluated: 2019-04-08. Review status: no assertion criteria provided. Collection method: clinical testing. Allele origin: germline. Not counted in ClinVar's aggregate classification.
Comment: This variant is classified as likely benign based on ACMG/AMP sequence variant interpretation guidelines (Richards et al. 2015 PMID: 25741868, with internal and published modifications).

NM_052845.4(MMAB):c.678T>C (p.Tyr226=)

Gene: MMAB (metabolism of cobalamin associated B; minus strand). Cytogenetic location: 12q24.11.
Variant type: single nucleotide variant.
Coding change: c.678T>C on transcript NM_052845.4 (MANE Select); coding-DNA position 678, T replaced by C.
Protein change: p.Tyr226=; no amino-acid change (tyrosine 226 retained).
Molecular consequence: synonymous variant. On other transcripts: non-coding transcript variant (1).
Genome position (GRCh38, 1-based): chr12:109,557,103, A>G on the plus strand (T>C on the coding strand, the complement: MMAB is on the minus strand). VCF-style: chr12-109557103-A-G. GRCh37 (hg19) VCF-style: chr12-109994908-A-G.
Identifiers: ClinVar variation 307076 (VCV000307076.16), dbSNP rs111678627, ClinGen allele CA6778762.